The following is an entry in ClinVar:

NM_001292063.2(OTOG):c.2142G>A (p.Ala714=)

Gene: OTOG (otogelin; plus strand). Cytogenetic location: 11p15.1.
Variant type: single nucleotide variant.
Coding change: c.2142G>A on transcript NM_001292063.2 (MANE Select); coding-DNA position 2142, G replaced by A.
Protein change: p.Ala714=; no amino-acid change (alanine 714 retained).
Molecular consequence: synonymous variant.
Genome position (GRCh38, 1-based): chr11:17,573,139, G>A. VCF-style: chr11-17573139-G-A. GRCh37 (hg19) VCF-style: chr11-17594686-G-A.
Other names: c.2178G>A, p.Ala726= (NM_001277269.2).
Identifiers: ClinVar variation 4986997 (VCV004986997.1).

ClinVar aggregate classification (germline): Likely benign (1 of 4 stars; one submission).

Conditions:
OTOG-related disorder. Also called: OTOG-related condition.

gnomAD v4.1: 37 of 1,546,580 alleles (0.0024%); highest among the groups gnomAD compares: Non-Finnish European, 0.0025%; no homozygotes.

Submission:

PreventionGenetics, part of Exact Sciences
Classification: Likely benign for OTOG-related condition. Last evaluated: 2026-07-14. Review status: criteria provided, single submitter. Criteria: ACMG Guidelines, 2015. Collection method: clinical testing. Allele origin: germline.
Comment: This variant is classified as likely benign based on ACMG/AMP sequence variant interpretation guidelines (Richards et al. 2015 PMID: 25741868, with internal and published modifications).